The following is an entry in ClinVar:

NM_133642.5(LARGE1):c.2257G>A (p.Glu753Lys)

Gene: LARGE1 (LARGE xylosyl- and glucuronyltransferase 1; minus strand). Cytogenetic location: 22q12.3.
Variant type: single nucleotide variant.
Coding change: c.2257G>A on transcript NM_133642.5 (MANE Select); coding-DNA position 2257, G replaced by A.
Protein change: p.Glu753Lys; replaces glutamic acid 753 with lysine.
Molecular consequence: missense variant.
Genome position (GRCh38, 1-based): chr22:33,274,441, C>T on the plus strand (G>A on the coding strand, the complement: LARGE1 is on the minus strand). VCF-style: chr22-33274441-C-T. GRCh37 (hg19) VCF-style: chr22-33670427-C-T.
Other names: c.2257G>A, p.Glu753Lys (NM_001362949.2, NM_001362951.2, NM_001362953.2 and 4 more transcripts); c.2110G>A, p.Glu704Lys (NM_001378627.1, NM_001378628.1); c.2101G>A, p.Glu701Lys (NM_001378629.1); c.1654G>A, p.Glu552Lys (NM_001378630.1); c.1351G>A, p.Glu451Lys (NM_001378631.1); short protein forms E753K, E451K, E552K, E701K, E704K.
Identifiers: ClinVar variation 593861 (VCV000593861.10), dbSNP rs139853494, ClinGen allele CA10202539.

ClinVar aggregate classification (germline): Uncertain significance. Review status: criteria provided, multiple submitters, no conflicts (2 of 4 stars). 2 submissions from 2 submitters: Uncertain significance (2). Last evaluated 2023-11-24.

Conditions:
Muscular dystrophy-dystroglycanopathy type B6 (MDDGB6). Also called: MUSCULAR DYSTROPHY-DYSTROGLYCANOPATHY (CONGENITAL WITH IMPAIRED INTELLECTUAL DEVELOPMENT), TYPE B, 6; MUSCULAR DYSTROPHY, CONGENITAL, LARGE-RELATED; MUSCULAR DYSTROPHY, CONGENITAL, TYPE 1D. Identifiers: MedGen C1837229, MONDO:0012138, OMIM 608840.

Allele frequency attached by ClinVar (database versions not stated): ExAC 0.00002; gnomAD exomes 0.00002; TOPMed 0.00002; gnomAD 0.00003 and 0.00004; ESP Exome Variant Server 0.00015.
gnomAD v4.1: 17 of 1,614,054 alleles (0.0011%); highest among the groups gnomAD compares: African/African-American, 0.0067%; no homozygotes.

Submissions (2):

Labcorp Genetics (formerly Invitae), Labcorp
Classification: Uncertain significance for Muscular dystrophy-dystroglycanopathy type B6. Last evaluated: 2023-11-24. Review status: criteria provided, single submitter. Criteria: Invitae Variant Classification Sherloc (09022015). Collection method: clinical testing. Allele origin: germline.
Comment: This sequence change replaces glutamic acid, which is acidic and polar, with lysine, which is basic and polar, at codon 753 of the LARGE1 protein (p.Glu753Lys). This variant is present in population databases (rs139853494, gnomAD 0.01%). This variant has not been reported in the literature in individuals affected with LARGE1-related conditions. ClinVar contains an entry for this variant (Variation ID: 593861). An algorithm developed to predict the effect of missense changes on protein structure and function (PolyPhen-2) suggests that this variant¬†is likely to be tolerated. In summary, the available evidence is currently insufficient to determine the role of this variant in disease. Therefore, it has been classified as a Variant of Uncertain Significance.

Eurofins Ntd Llc (ga)
Classification: Uncertain significance. Last evaluated: 2017-09-19. Review status: criteria provided, single submitter. Criteria: EGL Classification Definitions 2015. Collection method: clinical testing. Allele origin: germline. Observed: 1 variant allele, 1 heterozygote.